The following is an entry in ClinVar:

ClinVar aggregate classification (germline): Likely benign. Review status: criteria provided, multiple submitters, no conflicts (2 of 4 stars). 3 submissions from 3 submitters: Likely benign (3). Last evaluated 2025-07-09.

Conditions:
Cardiovascular phenotype. Identifiers: MedGen CN230736.
Alstrom syndrome (ALMS). Identifiers: Orphanet 64, MedGen C0268425, MONDO:0008763, OMIM 203800.

Allele frequency attached by ClinVar (database versions not stated): gnomAD exomes below 0.00001 and 0.00001; ExAC 0.00001; gnomAD 0.00001.
gnomAD v4.1: 10 of 1,603,738 alleles (0.00062%); highest among the groups gnomAD compares: Non-Finnish European, 0.00085%; no homozygotes.

Submissions (3):

Ambry Genetics
Classification: Likely benign for Cardiovascular phenotype. Last evaluated: 2025-07-09. Review status: criteria provided, single submitter. Criteria: Ambry Variant Classification Scheme 2023. Collection method: clinical testing. Allele origin: germline.

Labcorp Genetics (formerly Invitae), Labcorp
Classification: Likely benign for Alstrom syndrome. Last evaluated: 2025-06-29. Review status: criteria provided, single submitter. Criteria: Invitae Variant Classification Sherloc (09022015). Collection method: clinical testing. Allele origin: germline.

GeneDx
Classification: Likely benign. Last evaluated: 2017-01-16. Review status: criteria provided, single submitter. Criteria: GeneDx Variant Classification (06012015). Collection method: clinical testing. Allele origin: germline. Affected: yes.
Comment: This variant is considered likely benign or benign based on one or more of the following criteria: it is a conservative change, it occurs at a poorly conserved position in the protein, it is predicted to be benign by multiple in silico algorithms, and/or has population frequency not consistent with disease.

NM_001378454.1(ALMS1):c.1197A>G (p.Thr399=)

Gene: ALMS1 (ALMS1 centrosome and basal body associated protein; plus strand). Cytogenetic location: 2p13.1.
Variant type: single nucleotide variant.
Coding change: c.1197A>G on transcript NM_001378454.1 (MANE Select); coding-DNA position 1197, A replaced by G.
Protein change: p.Thr399=; no amino-acid change (threonine 399 retained).
Molecular consequence: synonymous variant.
Genome position (GRCh38, 1-based): chr2:73,424,862, A>G. VCF-style: chr2-73424862-A-G. GRCh37 (hg19) VCF-style: chr2-73651990-A-G.
Other names: c.1200A>G, p.Thr400= (NM_015120.4).
Identifiers: ClinVar variation 392834 (VCV000392834.5), dbSNP rs756136557, ClinGen allele CA1713068.